The following is an entry in ClinVar:

ClinVar aggregate classification (germline): Uncertain significance (0 of 4 stars; one submission).

Conditions:
MYO5B-related disorder. Also called: MYO5B-related condition.

gnomAD v4.1: 8 of 1,613,694 alleles (0.0005%); highest among the groups gnomAD compares: African/African-American, 0.0027%; no homozygotes.

Submission:

PreventionGenetics, part of Exact Sciences
Classification: Uncertain significance for MYO5B-related condition. Last evaluated: 2024-06-04. Review status: no assertion criteria provided. Collection method: clinical testing. Allele origin: germline.
Comment: The MYO5B c.2194C>T variant is predicted to result in the amino acid substitution p.Leu732Phe. To our knowledge, this variant has not been reported in the literature. This variant is reported in 0.011% of alleles in individuals of African descent in gnomAD. At this time, the clinical significance of this variant is uncertain due to the absence of conclusive functional and genetic evidence.

NM_001080467.3(MYO5B):c.2194C>T (p.Leu732Phe)

Gene: MYO5B (myosin VB; minus strand). Cytogenetic location: 18q21.1.
Variant type: single nucleotide variant.
Coding change: c.2194C>T on transcript NM_001080467.3 (MANE Select); coding-DNA position 2194, C replaced by T.
Protein change: p.Leu732Phe; replaces leucine 732 with phenylalanine.
Molecular consequence: missense variant.
Genome position (GRCh38, 1-based): chr18:49,912,070, G>A on the plus strand (C>T on the coding strand, the complement: MYO5B is on the minus strand). VCF-style: chr18-49912070-G-A. GRCh37 (hg19) VCF-style: chr18-47438440-G-A.
Other names: short protein forms L732F.
Identifiers: ClinVar variation 3345194 (VCV003345194.1).